The following is an entry in ClinVar:

ClinVar aggregate classification (germline): Uncertain significance (1 of 4 stars; one submission).

gnomAD v4.1: 4 of 1,609,912 alleles (0.00025%); highest among the groups gnomAD compares: Admixed American, 0.0067%; no homozygotes.

Submission:

Labcorp Genetics (formerly Invitae), Labcorp
Classification: Uncertain significance. Last evaluated: 2025-09-02. Review status: criteria provided, single submitter. Criteria: Invitae Variant Classification Sherloc (09022015). Collection method: clinical testing. Allele origin: germline.
Comment: This sequence change replaces aspartic acid, which is acidic and polar, with glutamic acid, which is acidic and polar, at codon 18 of the MYO18B protein (p.Asp18Glu). This variant is present in population databases (rs568883206, gnomAD 0.006%). This variant has not been reported in the literature in individuals affected with MYO18B-related conditions. An algorithm developed to predict the effect of missense changes on protein structure and function outputs the following: PolyPhen-2: "Benign". The glutamic acid amino acid residue is found in multiple mammalian species, which suggests that this missense change does not adversely affect protein function. In summary, the available evidence is currently insufficient to determine the role of this variant in disease. Therefore, it has been classified as a Variant of Uncertain Significance.

NM_032608.7(MYO18B):c.54C>A (p.Asp18Glu)

Gene: MYO18B (myosin XVIIIB; plus strand). Cytogenetic location: 22q12.1.
Variant type: single nucleotide variant.
Coding change: c.54C>A on transcript NM_032608.7 (MANE Select); coding-DNA position 54, C replaced by A.
Protein change: p.Asp18Glu; replaces aspartic acid 18 with glutamic acid.
Molecular consequence: missense variant.
Genome position (GRCh38, 1-based): chr22:25,763,245, C>A. VCF-style: chr22-25763245-C-A. GRCh37 (hg19) VCF-style: chr22-26159212-C-A.
Other names: c.54C>A, p.Asp18Glu (NM_001318245.2); short protein forms D18E.
Identifiers: ClinVar variation 4698991 (VCV004698991.1).